The following is an entry in ClinVar:

NM_004168.4(SDHA):c.1734C>G (p.Thr578=)

Gene: SDHA (succinate dehydrogenase complex flavoprotein subunit A; plus strand). Cytogenetic location: 5p15.33.
Variant type: single nucleotide variant.
Coding change: c.1734C>G on transcript NM_004168.4 (MANE Select); coding-DNA position 1734, C replaced by G.
Protein change: p.Thr578=; no amino-acid change (threonine 578 retained).
Molecular consequence: synonymous variant. On other transcripts: intron variant (1).
Genome position (GRCh38, 1-based): chr5:251,408, C>G. VCF-style: chr5-251408-C-G. GRCh37 (hg19) VCF-style: chr5-251523-C-G.
Other names: c.1590C>G, p.Thr530= (NM_001294332.2); c.1552-2985C>G (NM_001330758.2).
Identifiers: ClinVar variation 417262 (VCV000417262.18), dbSNP rs748328205, ClinGen allele CA3173342.

ClinVar aggregate classification (germline): Benign/Likely benign. Review status: criteria provided, multiple submitters, no conflicts (2 of 4 stars). 5 submissions from 5 submitters: Benign (1); Likely benign (3). 1 of the submissions does not count toward it. Last evaluated 2025-11-10.

Conditions:
Pheochromocytoma/paraganglioma syndrome 5. Also called: SDHA-Related Hereditary Paraganglioma-Pheochromocytoma Syndrome; Paragangliomas 5. Identifiers: Orphanet 29072, MedGen C3279992, MONDO:0013602, OMIM 614165.
Mitochondrial complex II deficiency, nuclear type 1. Also called: SUCCINATE CoQ REDUCTASE DEFICIENCY. Identifiers: Orphanet 3208, MedGen C5700310, MONDO:0100294, OMIM 252011.
Hereditary cancer-predisposing syndrome. Also called: Tumor predisposition; Hereditary Cancer Syndrome; Hereditary neoplastic syndrome; Neoplastic Syndromes, Hereditary. Identifiers: Orphanet 140162, MedGen C0027672, MeSH D009386, MONDO:0015356.
SDHA-related disorder. Also called: SDHA-related condition; SDHA-related disorders.

Allele frequency attached by ClinVar (database versions not stated): gnomAD 0.00001; gnomAD exomes below 0.00001; TOPMed below 0.00001; ExAC 0.00001.

Submissions (5):

Labcorp Genetics (formerly Invitae), Labcorp
Classification: Likely benign for Pheochromocytoma/paraganglioma syndrome 5; Mitochondrial complex II deficiency, nuclear type 1. Last evaluated: 2025-11-10. Review status: criteria provided, single submitter. Criteria: Invitae Variant Classification Sherloc (09022015). Collection method: clinical testing. Allele origin: germline.

Myriad Genetics, Inc.
Classification: Benign for Pheochromocytoma/paraganglioma syndrome 5. Last evaluated: 2025-03-11. Review status: criteria provided, single submitter. Criteria: Myriad Autosomal Dominant, Autosomal Recessive and X-Linked Classification Criteria (2023). Collection method: clinical testing. Allele origin: unknown.
Comment: This variant is considered benign. This variant is a silent/synonymous amino acid change and it is not expected to impact splicing.

Blueprint Genetics
Classification: Likely benign. Last evaluated: 2022-06-23. Review status: criteria provided, single submitter. Criteria: ACMG Guidelines, 2015. Collection method: clinical testing. Allele origin: germline.

Ambry Genetics
Classification: Likely benign for Hereditary cancer-predisposing syndrome. Last evaluated: 2019-05-14. Review status: criteria provided, single submitter. Criteria: Ambry Variant Classification Scheme 2023. Collection method: clinical testing. Allele origin: germline.

PreventionGenetics, part of Exact Sciences
Classification: Likely benign for SDHA-related condition. Last evaluated: 2023-02-16. Review status: no assertion criteria provided. Collection method: clinical testing. Allele origin: germline. Not counted in ClinVar's aggregate classification.
Comment: This variant is classified as likely benign based on ACMG/AMP sequence variant interpretation guidelines (Richards et al. 2015 PMID: 25741868, with internal and published modifications).